The following is an entry in ClinVar:

ClinVar aggregate classification (germline): Conflicting classifications of pathogenicity. Review status: criteria provided, conflicting classifications (1 of 4 stars). 2 submissions from 2 submitters: Uncertain significance (1); Likely benign (1). Last evaluated 2025-04-14.

Submissions (2):

GeneDx
Classification: Uncertain significance. Last evaluated: 2025-04-14. Review status: criteria provided, single submitter. Criteria: GeneDx Variant Classification Process June 2021. Collection method: clinical testing. Allele origin: germline. Affected: yes.
Comment: Not observed at significant frequency in large population cohorts (gnomAD); Has not been previously published as pathogenic or benign to our knowledge; In silico analysis is inconclusive as to whether the variant alters gene splicing. In the absence of RNA/functional studies, the actual effect of this sequence change is unknown.

Blueprint Genetics
Classification: Likely benign. Last evaluated: 2024-10-16. Review status: criteria provided, single submitter. Criteria: ACMG Guidelines, 2015. Collection method: clinical testing. Allele origin: germline.

NM_016239.4(MYO15A):c.9618C>G (p.Gly3206=)

Gene: MYO15A (myosin XVA; plus strand). Cytogenetic location: 17p11.2.
Variant type: single nucleotide variant.
Coding change: c.9618C>G on transcript NM_016239.4 (MANE Select); coding-DNA position 9618, C replaced by G.
Protein change: p.Gly3206=; no amino-acid change (glycine 3206 retained).
Molecular consequence: synonymous variant.
Genome position (GRCh38, 1-based): chr17:18,163,249, C>G. VCF-style: chr17-18163249-C-G. GRCh37 (hg19) VCF-style: chr17-18066563-C-G.
Identifiers: ClinVar variation 4281846 (VCV004281846.2).
Genomic context (GRCh38, chr17:18,163,249, plus strand): 5'-CTGTCCCAGATCCTAGGACCCAACCTGTCATCCCTCTCCCACCTATCTACCCCAGGCAGG[C>G]CGCAGTTCCAAGAGGCAACTCTTTCTTCTTCCTGGAGGCCTTGAACGCCATCTCAAAATC-3'
Protein context (NP_057323.3, residues 3196-3216): SSIELRAMLA[Gly3206=]RSSKRQLFLL